The following is an entry in ClinVar:

ClinVar aggregate classification (germline): Uncertain significance (1 of 4 stars; one submission).

Submission:

GeneDx
Classification: Uncertain significance. Last evaluated: 2022-10-15. Review status: criteria provided, single submitter. Criteria: GeneDx Variant Classification Process June 2021. Collection method: clinical testing. Allele origin: germline. Affected: yes.
Comment: Not observed at significant frequency in large population cohorts (gnomAD); In silico analysis supports that this missense variant does not alter protein structure/function; Has not been previously published as pathogenic or benign to our knowledge

NM_002609.4(PDGFRB):c.1113C>A (p.Asn371Lys)

Gene: PDGFRB (platelet derived growth factor receptor beta; minus strand). Cytogenetic location: 5q32.
Variant type: single nucleotide variant.
Coding change: c.1113C>A on transcript NM_002609.4 (MANE Select); coding-DNA position 1113, C replaced by A.
Protein change: p.Asn371Lys; replaces asparagine 371 with lysine.
Molecular consequence: missense variant.
Genome position (GRCh38, 1-based): chr5:150,132,764, G>T on the plus strand (C>A on the coding strand, the complement: PDGFRB is on the minus strand). VCF-style: chr5-150132764-G-T. GRCh37 (hg19) VCF-style: chr5-149512327-G-T.
Other names: c.921C>A, p.Asn307Lys (NM_001355016.2); c.630C>A, p.Asn210Lys (NM_001355017.2); short protein forms N210K, N307K, N371K.
Identifiers: ClinVar variation 2499234 (VCV002499234.1), dbSNP rs559425752, ClinGen allele CA361719527.
Genomic context (GRCh38, chr5:150,132,764, plus strand): 5'-AAAGAAAAATAACTTCAAGAATGGGATGGGAGAGCGAGCTGCTCACCGGGTCTCCGACAC[G>T]TTGCGCGTGGACAGGGCGATTTCGCCAGCGCTGGAGTCGCCCAGGGTGCGGTTGTCTTTG-3'
Protein context (NP_002600.1, residues 361-381): SAGEIALSTR[Asn371Lys]VSETRYVSEL